The following is an entry in ClinVar:

ClinVar aggregate classification (germline): Benign. Review status: criteria provided, multiple submitters, no conflicts (2 of 4 stars). 4 submissions from 4 submitters: Benign (4). Last evaluated 2026-02-04.

Conditions:
Obesity due to SIM1 deficiency. Identifiers: Orphanet 369873, MedGen C5191050, MONDO:0018244.

Allele frequency attached by ClinVar (database versions not stated): ESP Exome Variant Server 0.10065; TOPMed 0.12691; 1000 Genomes Project 30x 0.17302; 1000 Genomes Project 0.17812.
gnomAD v4.1: 241,452 of 1,613,500 alleles (15%); highest among the groups gnomAD compares: East Asian, 46%; 21,637 homozygotes.

Submissions (4):

Labcorp Genetics (formerly Invitae), Labcorp
Classification: Benign. Last evaluated: 2026-02-04. Review status: criteria provided, single submitter. Criteria: Invitae Variant Classification Sherloc (09022015). Collection method: clinical testing. Allele origin: germline.

Blueprint Genetics
Classification: Benign. Last evaluated: 2024-11-26. Review status: criteria provided, single submitter. Criteria: ACMG Guidelines, 2015. Collection method: clinical testing. Allele origin: germline.

GeneDx
Classification: Benign. Last evaluated: 2019-01-18. Review status: criteria provided, single submitter. Criteria: GeneDx Variant Classification Process June 2021. Collection method: clinical testing. Allele origin: germline. Affected: yes.
Comment: This variant is associated with the following publications: (PMID: 16924270)

Illumina Laboratory Services, Illumina
Classification: Benign for Obesity due to SIM1 deficiency. Last evaluated: 2018-01-13. Review status: criteria provided, single submitter. Criteria: ICSL Variant Classification Criteria 13 December 2019. Collection method: clinical testing. Allele origin: germline.
Comment: This variant was observed in the ICSL laboratory as part of a predisposition screen in an ostensibly healthy population. It had not been previously curated by ICSL or reported in the Human Gene Mutation Database (HGMD: prior to June 1st, 2018), and was therefore a candidate for classification through an automated scoring system. Utilizing variant allele frequency, disease prevalence and penetrance estimates, and inheritance mode, an automated score was calculated to assess if this variant is too frequent to cause the disease. Based on the score and internal cut-off values, a variant classified as benign is not then subjected to further curation. The score for this variant resulted in a classification of benign for this disease.

NM_005068.3(SIM1):c.1054C>A (p.Pro352Thr)

Genes: SIM1 (SIM bHLH transcription factor 1; minus strand), SIM1-AS1 (SIM1 antisense RNA 1; plus strand). Cytogenetic location: 6q16.3.
Variant type: single nucleotide variant.
Coding change: c.1054C>A on transcript NM_005068.3 (MANE Select); coding-DNA position 1054, C replaced by A.
Protein change: p.Pro352Thr; replaces proline 352 with threonine.
Molecular consequence: missense variant.
Genome position (GRCh38, 1-based): chr6:100,420,903, G>T on the plus strand (C>A on the coding strand, the complement: SIM1 is on the minus strand). VCF-style: chr6-100420903-G-T. GRCh37 (hg19) VCF-style: chr6-100868779-G-T.
Other names: c.1054C>A, p.Pro352Thr (NM_001374769.1); short protein forms P352T.
Identifiers: ClinVar variation 354681 (VCV000354681.14), dbSNP rs3734354, ClinGen allele CA3937141.
Genomic context (GRCh38, chr6:100,420,903, plus strand): 5'-TGGCCCCCTTTCTGTTGTCAGTCATGGTGGGGGTGGAGCTGCTGGTATAGGAGAAGGCTG[G>T]TTTGGAGGCTGAGATCTGATCCAGGGAGAGCTGCAGCCCTTTGTATTCTGTGTCTCTGCA-3'
Protein context (NP_005059.2, residues 342-362): LSLDQISASK[Pro352Thr]AFSYTSSSTP